The following is an entry in ClinVar:

ClinVar aggregate classification (germline): Pathogenic. Review status: criteria provided, single submitter (1 of 4 stars). 2 submissions from 2 submitters: Pathogenic (1). 1 of the submissions does not count toward it. Last evaluated 2024-06-20.

Conditions:
PHARC syndrome. Also called: Polyneuropathy-hearing loss-ataxia-retinitis pigmentosa-cataract syndrome. Identifiers: Orphanet 171848, MedGen C2675204, MONDO:0012984, OMIM 612674.

Allele frequency attached by ClinVar (database versions not stated): gnomAD 0.00001.
gnomAD v4.1: 1 of 1,614,060 alleles (0.000062%); highest among the groups gnomAD compares: Non-Finnish European, 0.000085%; no homozygotes.

Submissions (2):

Ma Clinic, Aier Eye Hospital
Classification: Pathogenic for PHARC syndrome. Last evaluated: 2024-06-20. Review status: criteria provided, single submitter. Criteria: ACMG Guidelines, 2015. Collection method: clinical testing. Allele origin: germline. Affected: yes.
Comment: PVS1+PM3+PM2_Supporting

OMIM
Classification: Pathogenic for POLYNEUROPATHY, HEARING LOSS, ATAXIA, RETINITIS PIGMENTOSA, AND CATARACT. Last evaluated: 2014-08-01. Review status: no assertion criteria provided. Collection method: literature only. Allele origin: germline. Not counted in ClinVar's aggregate classification.

Literature cited by the submitters: PubMed 24697911 (cited by Ma Clinic, Aier Eye Hospital and OMIM); PubMed 34573385 (cited by Ma Clinic, Aier Eye Hospital); PubMed 29625443 (cited by Ma Clinic, Aier Eye Hospital).

NM_001042472.3(ABHD12):c.477G>A (p.Trp159Ter)

Gene: ABHD12 (abhydrolase domain containing 12, lysophospholipase; minus strand). Cytogenetic location: 20p11.21.
Variant type: single nucleotide variant.
Coding change: c.477G>A on transcript NM_001042472.3 (MANE Select); coding-DNA position 477, G replaced by A.
Protein change: p.Trp159Ter; replaces tryptophan 159 with a stop codon.
Molecular consequence: nonsense.
Genome position (GRCh38, 1-based): chr20:25,320,264, C>T on the plus strand (G>A on the coding strand, the complement: ABHD12 is on the minus strand). VCF-style: chr20-25320264-C-T. GRCh37 (hg19) VCF-style: chr20-25300900-C-T.
Other names: c.477G>A, p.Trp159Ter (NM_015600.5); short protein forms W159*.
Identifiers: ClinVar variation 143236 (VCV000143236.3), dbSNP rs587777603, ClinGen allele CA170105.